The following is an entry in ClinVar:

NM_181303.2(NLGN3):c.170C>T (p.Pro57Leu)

Gene: NLGN3 (neuroligin 3; plus strand). Cytogenetic location: Xq13.1.
Variant type: single nucleotide variant.
Coding change: c.170C>T on transcript NM_181303.2 (MANE Select); coding-DNA position 170, C replaced by T.
Protein change: p.Pro57Leu; replaces proline 57 with leucine.
Molecular consequence: missense variant. On other transcripts: intron variant (1).
Genome position (GRCh38, 1-based): chrX:71,147,919, C>T. VCF-style: chrX-71147919-C-T. GRCh37 (hg19) VCF-style: chrX-70367769-C-T.
Other names: c.170C>T (NM_018977.3); c.170C>T, p.Pro57Leu (NM_001166660.2, NM_018977.4); c.-38-144C>T (NM_001321276.2); short protein forms P57L.
Identifiers: ClinVar variation 1048954 (VCV001048954.5), dbSNP rs757975693, ClinGen allele CA10444976.
Genomic context (GRCh38, chrX:71,147,919, plus strand): 5'-CCCAGGCCCCAGCACCCACAGTCAACACTCACTTTGGGAAGCTAAGGGGTGCCCGAGTAC[C>T]ACTGCCCAGTGAGATCCTGGGGCCTGTGGACCAATACCTGGGGGTGCCCTACGCAGCTCC-3'
Protein context (NP_851820.1, residues 47-67): HFGKLRGARV[Pro57Leu]LPSEILGPVD

ClinVar aggregate classification (germline): Uncertain significance. Review status: criteria provided, single submitter (1 of 4 stars). 2 submissions from 2 submitters: Uncertain significance (1). 1 of the submissions does not count toward it. Last evaluated 2026-01-26.

Conditions:
Inborn genetic diseases. Identifiers: MedGen C0950123, MeSH D030342.

Allele frequency attached by ClinVar (database versions not stated): ExAC 0.00001; gnomAD exomes 0.00002 and 0.00003; gnomAD 0.00003; TOPMed 0.00003.
gnomAD v4.1: 34 of 1,207,718 alleles (0.0028%); highest among the groups gnomAD compares: Admixed American, 0.0066%; no homozygotes.

Submissions (2):

Ambry Genetics
Classification: Uncertain significance for Inborn genetic diseases. Last evaluated: 2026-01-26. Review status: criteria provided, single submitter. Criteria: Ambry Variant Classification Scheme 2023. Collection method: clinical testing. Allele origin: germline.
Comment: The c.170C>T (p.P57L) alteration is located in exon 2 (coding exon 1) of the NLGN3 gene. This alteration results from a C to T substitution at nucleotide position 170, causing the proline (P) at amino acid position 57 to be replaced by a leucine (L). Based on data from gnomAD, the T allele has an overall frequency of 0.002% (4/174949) total alleles studied. The highest observed frequency was 0.005% (4/77299) of European (non-Finnish) alleles. Based on insufficient or conflicting evidence, the clinical significance of this alteration remains unclear.

Department of Pathology and Laboratory Medicine, Sinai Health System
Classification: Uncertain significance. Review status: no assertion criteria provided. Collection method: clinical testing. Allele origin: unknown. Affected: yes. Study: The Canadian Open Genetics Repository (COGR). Not counted in ClinVar's aggregate classification.
Comment: The NLGN3 p.Pro57Leu variant was not identified in the literature nor was it identified in ClinVar or Cosmic. The variant was identified in dbSNP (ID: rs757975693) and in LOVD 3.0. The variant was also identified in control databases in 4 of 174949 chromosomes at a frequency of 0.000023 (Genome Aggregation Database Feb 27, 2017). The variant was observed in the following population: European (non-Finnish) in 4 of 77299 chromosomes (freq: 1); it was not observed in the African, Latino, Ashkenazi Jewish, East Asian, European (Finnish), Other, and South Asian populations. The variant occurs outside of the splicing consensus sequence and in silico or computational prediction software programs (SpliceSiteFinder, MaxEntScan, NNSPLICE, GeneSplicer) do not predict a difference in splicing at the variant location. The p.Pro57 residue is conserved in mammals and computational analyses (PolyPhen-2, SIFT, AlignGVGD, BLOSUM, MutationTaster) provide inconsistent predictions regarding the impact to the protein; this information is not very predictive of pathogenicity. In summary, based on the above information the clinical significance of this variant cannot be determined with certainty at this time. This variant is classified as a variant of uncertain significance.

Literature cited by the submitters: PubMed 28106320 (cited by Ambry Genetics).